The following is an entry in ClinVar:

ClinVar aggregate classification (germline): Uncertain significance (0 of 4 stars; one submission).

Submission:

Genetic Services Laboratory, University of Chicago
Classification: Uncertain significance. Last evaluated: 2022-07-20. Review status: no assertion criteria provided. Collection method: clinical testing. Allele origin: germline. Affected: no.
Comment: DNA sequence analysis of the WDPCP gene demonstrated a sequence change, c.1109T>G, in exon 10 that results in an amino acid change, p.Val370Gly. This sequence change does not appear to have been previously described in individuals with WDPCP-related disorders and has also not been described in population databases such as ExAC and gnomAD. The p.Val370Gly change affects a moderately conserved amino acid residue located in a domain of the WDPCP protein that is known to be functional. In-silico pathogenicity prediction tools (SIFT, PolyPhen2, Align GVGD, REVEL) provide contradictory results for the p.Val370Gly substitution. Due to insufficient evidences and the lack of functional studies, the clinical significance of the p.Val370Gly change remains unknown at this time.

NM_015910.7(WDPCP):c.1109T>G (p.Val370Gly)

Gene: WDPCP (WD repeat containing planar cell polarity effector; minus strand). Cytogenetic location: 2p15.
Variant type: single nucleotide variant.
Coding change: c.1109T>G on transcript NM_015910.7 (MANE Select); coding-DNA position 1109, T replaced by G.
Protein change: p.Val370Gly; replaces valine 370 with glycine.
Molecular consequence: missense variant. On other transcripts: non-coding transcript variant (3).
Genome position (GRCh38, 1-based): chr2:63,404,374, A>C on the plus strand (T>G on the coding strand, the complement: WDPCP is on the minus strand). VCF-style: chr2-63404374-A-C. GRCh37 (hg19) VCF-style: chr2-63631509-A-C.
Other names: c.632T>G, p.Val211Gly (NM_001042692.3); c.1037T>G, p.Val346Gly (NM_001354044.2); c.1109T>G, p.Val370Gly (NM_001354045.2); short protein forms V211G, V346G, V370G.
Identifiers: ClinVar variation 2443300 (VCV002443300.2), dbSNP rs1311761712, ClinGen allele CA347065124.